The following is an entry in ClinVar:

ClinVar aggregate classification (germline): Uncertain significance (1 of 4 stars; one submission).

Allele frequency attached by ClinVar (database versions not stated): gnomAD exomes below 0.00001; TOPMed below 0.00001.
gnomAD v4.1: 1 of 1,614,022 alleles (0.000062%); highest among the groups gnomAD compares: Non-Finnish European, 0.000085%; no homozygotes.

Submission:

CeGaT Center for Human Genetics Tuebingen
Classification: Uncertain significance. Last evaluated: 2022-05-01. Review status: criteria provided, single submitter. Criteria: CeGaT Center For Human Genetics Tuebingen Variant Classification Criteria Version 2. Collection method: clinical testing. Allele origin: germline. Affected: yes. Observed: 1 variant allele.
Comment: RELN: PM2

NM_005045.4(RELN):c.9195A>T (p.Glu3065Asp)

Genes: RELN (reelin; minus strand), SLC26A5-AS1 (SLC26A5 antisense RNA 1; plus strand). Cytogenetic location: 7q22.1.
Variant type: single nucleotide variant.
Coding change: c.9195A>T on transcript NM_005045.4 (MANE Select); coding-DNA position 9195, A replaced by T.
Protein change: p.Glu3065Asp; replaces glutamic acid 3065 with aspartic acid.
Molecular consequence: missense variant.
Genome position (GRCh38, 1-based): chr7:103,495,897, T>A on the plus strand (A>T on the coding strand, the complement: RELN is on the minus strand). VCF-style: chr7-103495897-T-A. GRCh37 (hg19) VCF-style: chr7-103136344-T-A.
Other names: c.9195A>T, p.Glu3065Asp (NM_173054.3); short protein forms E3065D.
Identifiers: ClinVar variation 2657890 (VCV002657890.24), dbSNP rs1170013342, ClinGen allele CA368749446.